The following is an entry in ClinVar:

NM_006736.6(DNAJB2):c.353-1G>C

Gene: DNAJB2 (DnaJ heat shock protein family (Hsp40) member B2; plus strand). Cytogenetic location: 2q35.
Variant type: single nucleotide variant.
Coding change: c.353-1G>C on transcript NM_006736.6 (MANE Select); the canonical splice acceptor site of the intron before coding-DNA position 353, G replaced by C.
Molecular consequence: splice acceptor variant.
Genome position (GRCh38, 1-based): chr2:219,282,836, G>C. VCF-style: chr2-219282836-G-C. GRCh37 (hg19) VCF-style: chr2-220147558-G-C.
Other names: c.353-1G>C (NM_001039550.2).
Identifiers: ClinVar variation 2828827 (VCV002828827.3), dbSNP rs918395100, ClinGen allele CA65959131.

ClinVar aggregate classification (germline): Likely pathogenic (1 of 4 stars; one submission).

Conditions:
Neuronopathy, distal hereditary motor, autosomal recessive 5. Also called: Young adult-onset distal hereditary motor neuropathy; Spinal muscular atrophy, distal, autosomal recessive, 5; NEUROPATHY, DISTAL HEREDITARY MOTOR, AUTOSOMAL RECESSIVE 5. Identifiers: Orphanet 314485, Orphanet 443950, MedGen C4749918, MONDO:0013947, OMIM 614881.

Allele frequency attached by ClinVar (database versions not stated): TOPMed 0.00002.

Submission:

Labcorp Genetics (formerly Invitae), Labcorp
Classification: Likely pathogenic for Neuronopathy, distal hereditary motor, autosomal recessive 5. Last evaluated: 2024-01-30. Review status: criteria provided, single submitter. Criteria: Invitae Variant Classification Sherloc (09022015). Collection method: clinical testing. Allele origin: germline.
Comment: This sequence change affects an acceptor splice site in intron 5 of the DNAJB2 gene. It is expected to disrupt RNA splicing. Variants that disrupt the donor or acceptor splice site typically lead to a loss of protein function (PMID: 16199547), and loss-of-function variants in DNAJB2 are known to be pathogenic (PMID: 22522442, 25274842). This variant is not present in population databases (gnomAD no frequency). This variant has not been reported in the literature in individuals affected with DNAJB2-related conditions. Algorithms developed to predict the effect of sequence changes on RNA splicing suggest that this variant may disrupt the consensus splice site. In summary, the currently available evidence indicates that the variant is pathogenic, but additional data are needed to prove that conclusively. Therefore, this variant has been classified as Likely Pathogenic.

Literature cited by the submitters: PubMed 16199547; PubMed 22522442; PubMed 25274842.